The following is an entry in ClinVar:

ClinVar aggregate classification (germline): Uncertain significance (1 of 4 stars; one submission).

Submission:

OLLIN Analises Genomicas, OLLIN
Classification: Uncertain significance. Last evaluated: 2026-08-06. Review status: criteria provided, single submitter. Criteria: ACMG Guidelines 2015 PMID 25741868. Collection method: clinical testing. Allele origin: germline.
Comment: This missense variant, located in exon 6 (of 10), has been observed in gnomAD with an allele frequency of 0.000062%, but has not been reported in ClinVar or identified in the literature. In silico analysis predicts that this variant has a deleterious effect. According to the currently available evidence, this variant has been classified as uncertain significance (PM2_P, PP3_S).

NM_000017.4(ACADS):c.689A>C (p.Lys230Thr)

Gene: ACADS (acyl-CoA dehydrogenase short chain; plus strand). Cytogenetic location: 12q24.31.
Variant type: single nucleotide variant.
Coding change: c.689A>C on transcript NM_000017.4 (MANE Select); coding-DNA position 689, A replaced by C.
Protein change: p.Lys230Thr; replaces lysine 230 with threonine.
Molecular consequence: missense variant.
Genome position (GRCh38, 1-based): chr12:120,738,344, A>C. VCF-style: chr12-120738344-A-C. GRCh37 (hg19) VCF-style: chr12-121176147-A-C.
Other names: c.677A>C, p.Lys226Thr (NM_001302554.2); short protein forms K226T, K230T.
Identifiers: ClinVar variation 5002780 (VCV005002780.1).